The following is an entry in ClinVar:

NM_001849.4(COL6A2):c.2422+1G>A

Gene: COL6A2 (collagen type VI alpha 2 chain; plus strand). Cytogenetic location: 21q22.3.
Variant type: single nucleotide variant.
Coding change: c.2422+1G>A on transcript NM_001849.4 (MANE Select); the canonical splice donor site of the intron after coding-DNA position 2422, G replaced by A.
Molecular consequence: splice donor variant.
Genome position (GRCh38, 1-based): chr21:46,126,238, G>A. VCF-style: chr21-46126238-G-A. GRCh37 (hg19) VCF-style: chr21-47546152-G-A.
Other names: c.2422+1G>A (NM_058175.3, NM_058174.3).
Identifiers: ClinVar variation 280693 (VCV000280693.26), dbSNP rs113828929, ClinGen allele CA10603558.

ClinVar aggregate classification (germline): Pathogenic. Review status: criteria provided, multiple submitters, no conflicts (2 of 4 stars). 6 submissions from 6 submitters: Pathogenic (4). 2 of the submissions do not count toward it. Last evaluated 2023-08-23.

Conditions:
COL6A2-related disorder.
Bethlem myopathy 1A. Also called: Bethlem myopathy 1; Bethlem Muscular Dystrophy; MYOPATHY, BENIGN CONGENITAL, WITH CONTRACTURES. Identifiers: Orphanet 610, MedGen CN029274, MONDO:0024530, OMIM 158810.
Ullrich congenital muscular dystrophy 1A. Also called: Ullrich congenital muscular dystrophy 1; Intermediate COL6-RD. Identifiers: Orphanet 75840, MedGen C0410179, MONDO:0009681, OMIM 254090.

gnomAD v4.1: 2 of 1,598,710 alleles (0.00013%); highest among the groups gnomAD compares: South Asian, 0.0022%; no homozygotes.

Submissions (6):

Blueprint Genetics
Classification: Pathogenic for COL6A2-related disorders. Last evaluated: 2023-08-23. Review status: criteria provided, single submitter. Criteria: ACMG Guidelines, 2015. Collection method: clinical testing. Allele origin: germline. Affected: yes. Observed: 2 variant alleles.

Revvity Omics, Revvity
Classification: Pathogenic. Last evaluated: 2021-10-21. Review status: criteria provided, single submitter. Criteria: ACMG Guidelines, 2015. Collection method: clinical testing. Allele origin: germline.

Baylor Genetics
Classification: Pathogenic for Ullrich congenital muscular dystrophy 1A. Last evaluated: 2020-06-03. Review status: criteria provided, single submitter. Criteria: ACMG Guidelines, 2015. Collection method: clinical testing. Allele origin: unknown. Affected: yes.
Comment: This variant was determined to be pathogenic according to ACMG Guidelines, 2015 [PMID:25741868].

GeneDx
Classification: Pathogenic. Last evaluated: 2019-11-25. Review status: criteria provided, single submitter. Criteria: GeneDx Variant Classification Process June 2021. Collection method: clinical testing. Allele origin: germline. Affected: yes.
Comment: Canonical splice site variant in a gene for which loss-of-function is a known mechanism of disease; Not observed at a significant frequency in large population cohorts (Lek et al., 2016); This variant is associated with the following publications: (PMID: 21035572, 28600779, 31130284, 32552793)

Clinical Laboratory Sciences Program (CLSP), King Saud bin Abdulaziz University for Health Sciences (KSAU-HS)
Classification: Pathogenic for Bethlem myopathy 1A. Last evaluated: 2023-04-01. Review status: no assertion criteria provided. Collection method: clinical testing. Allele origin: germline. Affected: yes. Not counted in ClinVar's aggregate classification.

Biochemical Molecular Genetic Laboratory, King Abdulaziz Medical City
Classification: Pathogenic for Ullrich congenital muscular dystrophy 1A. Last evaluated: 2019-08-25. Review status: no assertion criteria provided. Collection method: clinical testing. Allele origin: germline. Affected: yes. Not counted in ClinVar's aggregate classification.